The following is an entry in ClinVar:

NM_203447.4(DOCK8):c.6068+6A>C

Gene: DOCK8 (dedicator of cytokinesis 8; plus strand). Cytogenetic location: 9p24.3.
Variant type: single nucleotide variant.
Coding change: c.6068+6A>C on transcript NM_203447.4 (MANE Select); 6 bases into the intron after coding-DNA position 6068, A replaced by C.
Molecular consequence: intron variant.
Genome position (GRCh38, 1-based): chr9:452,123, A>C. VCF-style: chr9-452123-A-C. GRCh37 (hg19) VCF-style: chr9-452123-A-C.
Other names: c.5864+6A>C (NM_001193536.2); c.5768+6A>C (NM_001190458.2); c.6068+6A>C (NM_203447.3).
Identifiers: ClinVar variation 1401029 (VCV001401029.10), dbSNP rs760845840, ClinGen allele CA4959653.

ClinVar aggregate classification (germline): Uncertain significance. Review status: criteria provided, single submitter (1 of 4 stars). 2 submissions from 2 submitters: Uncertain significance (1). 1 of the submissions does not count toward it. Last evaluated 2022-07-19.

Conditions:
DOCK8-related disorder. Also called: DOCK8-related condition.
Combined immunodeficiency due to DOCK8 deficiency (HIES2). Also called: Hyper-IgE recurrent infection syndrome, autosomal recessive; HIES autosomal recessive; HYPER-IgE RECURRENT INFECTION SYNDROME 2, AUTOSOMAL RECESSIVE; DOCK8 Deficiency; HYPER-IgE SYNDROME 2, AUTOSOMAL RECESSIVE, WITH RECURRENT INFECTIONS. Identifiers: Orphanet 217390, MedGen C4722305, MONDO:0009478, OMIM 243700.

Allele frequency attached by ClinVar (database versions not stated): ExAC 0.00003; gnomAD 0.00003 and 0.00004; gnomAD exomes 0.00003; TOPMed 0.00004.
gnomAD v4.1: 48 of 1,588,326 alleles (0.003%); highest among the groups gnomAD compares: Middle Eastern, 0.017%; no homozygotes.

Submissions (2):

Labcorp Genetics (formerly Invitae), Labcorp
Classification: Uncertain significance for Combined immunodeficiency due to DOCK8 deficiency. Last evaluated: 2022-07-19. Review status: criteria provided, single submitter. Criteria: Invitae Variant Classification Sherloc (09022015). Collection method: clinical testing. Allele origin: germline.
Comment: This sequence change falls in intron 46 of the DOCK8 gene. It does not directly change the encoded amino acid sequence of the DOCK8 protein. It affects a nucleotide within the consensus splice site. This variant is present in population databases (rs760845840, gnomAD 0.009%). This variant has not been reported in the literature in individuals affected with DOCK8-related conditions. ClinVar contains an entry for this variant (Variation ID: 1401029). Variants that disrupt the consensus splice site are a relatively common cause of aberrant splicing (PMID: 17576681, 9536098). Algorithms developed to predict the effect of sequence changes on RNA splicing suggest that this variant is not likely to affect RNA splicing. In summary, the available evidence is currently insufficient to determine the role of this variant in disease. Therefore, it has been classified as a Variant of Uncertain Significance.

PreventionGenetics, part of Exact Sciences
Classification: Likely benign for DOCK8-related condition. Last evaluated: 2024-01-03. Review status: no assertion criteria provided. Collection method: clinical testing. Allele origin: germline. Not counted in ClinVar's aggregate classification.
Comment: This variant is classified as likely benign based on ACMG/AMP sequence variant interpretation guidelines (Richards et al. 2015 PMID: 25741868, with internal and published modifications).

Literature cited by the submitters: PubMed 17576681 (cited by Labcorp Genetics (formerly Invitae), Labcorp); PubMed 9536098 (cited by Labcorp Genetics (formerly Invitae), Labcorp).